The following is an entry in ClinVar:

ClinVar aggregate classification (germline): Uncertain significance (1 of 4 stars; one submission).

Submission:

Labcorp Genetics (formerly Invitae), Labcorp
Classification: Uncertain significance. Last evaluated: 2024-10-11. Review status: criteria provided, single submitter. Criteria: Invitae Variant Classification Sherloc (09022015). Collection method: clinical testing. Allele origin: germline.
Comment: This sequence change replaces alanine, which is neutral and non-polar, with threonine, which is neutral and polar, at codon 52 of the LAGE3 protein (p.Ala52Thr). This variant is not present in population databases (gnomAD no frequency). This variant has not been reported in the literature in individuals affected with LAGE3-related conditions. An algorithm developed to predict the effect of missense changes on protein structure and function outputs the following: PolyPhen-2: "Benign". The threonine amino acid residue is found in multiple mammalian species, which suggests that this missense change does not adversely affect protein function. In summary, the available evidence is currently insufficient to determine the role of this variant in disease. Therefore, it has been classified as a Variant of Uncertain Significance.

NM_006014.5(LAGE3):c.154G>A (p.Ala52Thr)

Genes: LAGE3 (L antigen family member 3; minus strand), LOC130068876 (ATAC-STARR-seq lymphoblastoid silent region 21109; plus strand). Cytogenetic location: Xq28.
Variant type: single nucleotide variant.
Coding change: c.154G>A on transcript NM_006014.5 (MANE Select); coding-DNA position 154, G replaced by A.
Protein change: p.Ala52Thr; replaces alanine 52 with threonine.
Molecular consequence: missense variant.
Genome position (GRCh38, 1-based): chrX:154,478,762, C>T on the plus strand (G>A on the coding strand, the complement: LAGE3 is on the minus strand). VCF-style: chrX-154478762-C-T. GRCh37 (hg19) VCF-style: chrX-153707101-C-T.
Other names: short protein forms A52T.
Identifiers: ClinVar variation 3713020 (VCV003713020.2).